The following is an entry in ClinVar:

ClinVar aggregate classification (germline): Uncertain significance (1 of 4 stars; one submission).

Allele frequency attached by ClinVar (database versions not stated): TOPMed 0.00002; gnomAD 0.00003; gnomAD exomes 0.00003.

Submission:

Labcorp Genetics (formerly Invitae), Labcorp
Classification: Uncertain significance. Last evaluated: 2025-06-03. Review status: criteria provided, single submitter. Criteria: Invitae Variant Classification Sherloc (09022015). Collection method: clinical testing. Allele origin: germline.
Comment: This sequence change replaces threonine, which is neutral and polar, with alanine, which is neutral and non-polar, at codon 68 of the EFTUD2 protein (p.Thr68Ala). This variant is present in population databases (rs752929137, gnomAD 0.004%). This variant has not been reported in the literature in individuals affected with EFTUD2-related conditions. ClinVar contains an entry for this variant (Variation ID: 2967275). An algorithm developed to predict the effect of missense changes on protein structure and function (PolyPhen-2) suggests that this variant is likely to be tolerated. In summary, the available evidence is currently insufficient to determine the role of this variant in disease. Therefore, it has been classified as a Variant of Uncertain Significance.

NM_004247.4(EFTUD2):c.202A>G (p.Thr68Ala)

Gene: EFTUD2 (elongation factor Tu GTP binding domain containing 2; minus strand). Cytogenetic location: 17q21.31.
Variant type: single nucleotide variant.
Coding change: c.202A>G on transcript NM_004247.4 (MANE Select); coding-DNA position 202, A replaced by G.
Protein change: p.Thr68Ala; replaces threonine 68 with alanine.
Molecular consequence: missense variant.
Genome position (GRCh38, 1-based): chr17:44,886,654, T>C on the plus strand (A>G on the coding strand, the complement: EFTUD2 is on the minus strand). VCF-style: chr17-44886654-T-C. GRCh37 (hg19) VCF-style: chr17-42964022-T-C.
Other names: c.97A>G, p.Thr33Ala (NM_001142605.2); c.202A>G, p.Thr68Ala (NM_001258353.2, NM_001258354.2); short protein forms T68A, T33A.
Identifiers: ClinVar variation 2967275 (VCV002967275.3), dbSNP rs752929137, ClinGen allele CA8608175.